The following is an entry in ClinVar:

ClinVar aggregate classification (germline): Likely pathogenic. Review status: criteria provided, single submitter (1 of 4 stars). 2 submissions from 1 submitter: Likely pathogenic (2). Last evaluated 2025-03-04.

Conditions:
Basal cell nevus syndrome 1 (BCNS1). Also called: GORLIN-GOLTZ SYNDROME; MULTIPLE BASAL CELL NEVI, ODONTOGENIC KERATOCYSTS, AND SKELETAL ANOMALIES. Identifiers: MedGen CN376810, MONDO:0958174, OMIM 109400.
Gorlin syndrome. Also called: Nevoid Basal Cell Carcinoma Syndrome; Basal cell nevus syndrome. Identifiers: Orphanet 377, MedGen C0004779, MONDO:0007187.

Submissions (2):

Institute of Human Genetics, University of Leipzig Medical Center
Classification: Likely pathogenic for Basal cell nevus syndrome 1. Last evaluated: 2025-03-04. Review status: criteria provided, single submitter. Criteria: ACMG Guidelines, 2015. Collection method: clinical testing. Allele origin: unknown. Inheritance: Autosomal dominant inheritance. Affected: yes.
Comment: Criteria applied: PM1,PM2_SUP,PP1,PP3,PP4

Institute of Human Genetics, University of Leipzig Medical Center
Classification: Likely pathogenic for Basal cell nevus syndrome 1. Last evaluated: 2023-11-27. Review status: criteria provided, single submitter. Criteria: ACMG Guidelines, 2015. Collection method: clinical testing. Allele origin: maternal. Inheritance: Autosomal dominant inheritance. Affected: yes.
Comment: Criteria applied: PM1,PP4,PM2_SUP,PP1,PP3; Index

NM_000264.5(PTCH1):c.1496C>G (p.Thr499Arg)

Gene: PTCH1 (patched 1; minus strand). Cytogenetic location: 9q22.32.
Variant type: single nucleotide variant.
Coding change: c.1496C>G on transcript NM_000264.5 (MANE Select); coding-DNA position 1496, C replaced by G.
Protein change: p.Thr499Arg; replaces threonine 499 with arginine.
Molecular consequence: missense variant. On other transcripts: non-coding transcript variant (1), intron variant (1).
Genome position (GRCh38, 1-based): chr9:95,477,554, G>C on the plus strand (C>G on the coding strand, the complement: PTCH1 is on the minus strand). VCF-style: chr9-95477554-G-C. GRCh37 (hg19) VCF-style: chr9-98239836-G-C.
Other names: c.1298C>G, p.Thr433Arg (NM_001083602.3); c.1493C>G, p.Thr498Arg (NM_001083603.3); c.1043C>G, p.Thr348Arg (NM_001083604.3, NM_001083605.3, NM_001083606.3 and 1 more transcripts); c.1347+501C>G (NM_001354918.2); short protein forms T348R, T433R, T498R, T499R.
Identifiers: ClinVar variation 2664996 (VCV002664996.2), dbSNP rs1298115628, ClinGen allele CA374118381.